The following is an entry in ClinVar:

NM_025144.4(ALPK1):c.1063G>A (p.Val355Ile)

Gene: ALPK1 (alpha kinase 1; plus strand). Cytogenetic location: 4q25.
Variant type: single nucleotide variant.
Coding change: c.1063G>A on transcript NM_025144.4 (MANE Select); coding-DNA position 1063, G replaced by A.
Protein change: p.Val355Ile; replaces valine 355 with isoleucine.
Molecular consequence: missense variant.
Genome position (GRCh38, 1-based): chr4:112,430,610, G>A. VCF-style: chr4-112430610-G-A. GRCh37 (hg19) VCF-style: chr4-113351766-G-A.
Other names: c.1063G>A, p.Val355Ile (NM_001102406.2); c.829G>A, p.Val277Ile (NM_001253884.2); short protein forms V277I, V355I.
Identifiers: ClinVar variation 3670215 (VCV003670215.2).
Genomic context (GRCh38, chr4:112,430,610, plus strand): 5'-GGCCTCCTCACCAAGAGAGATGATGAGCCTGTTACTGGAAAACAGGAGCTTCACAGCTTT[G>A]TCAAAGCTGCTTTCGGTCTCACCACAGTGCACAGAAGGCTCCATGGGGAGACAGGGACGG-3'
Protein context (NP_079420.3, residues 345-365): VTGKQELHSF[Val355Ile]KAAFGLTTVH

ClinVar aggregate classification (germline): Uncertain significance (1 of 4 stars; one submission).

Submission:

Labcorp Genetics (formerly Invitae), Labcorp
Classification: Uncertain significance. Last evaluated: 2024-06-03. Review status: criteria provided, single submitter. Criteria: Invitae Variant Classification Sherloc (09022015). Collection method: clinical testing. Allele origin: germline.
Comment: This sequence change replaces valine, which is neutral and non-polar, with isoleucine, which is neutral and non-polar, at codon 355 of the ALPK1 protein (p.Val355Ile). This variant is not present in population databases (gnomAD no frequency). This variant has not been reported in the literature in individuals affected with ALPK1-related conditions. Advanced modeling of protein sequence and biophysical properties (such as structural, functional, and spatial information, amino acid conservation, physicochemical variation, residue mobility, and thermodynamic stability) performed at Invitae indicates that this missense variant is not expected to disrupt ALPK1 protein function with a negative predictive value of 80%. In summary, the available evidence is currently insufficient to determine the role of this variant in disease. Therefore, it has been classified as a Variant of Uncertain Significance.